The following is an entry in ClinVar:

ClinVar aggregate classification (germline): Uncertain significance (1 of 4 stars; one submission).

Conditions:
Hypertrophic cardiomyopathy 26. Also called: Cardiomyopathy, familial hypertrophic, 26. Identifiers: Orphanet 75249, MedGen C4310749, MONDO:0014883, OMIM 617047.
Myofibrillar myopathy 5. Also called: Filaminopathy (type); FILAMINOPATHY, AUTOSOMAL DOMINANT. Identifiers: Orphanet 171445, MedGen C1836050, MONDO:0012289, OMIM 609524.
Distal myopathy with posterior leg and anterior hand involvement. Also called: WILLIAMS DISTAL MYOPATHY. Identifiers: Orphanet 63273, MedGen C3279722, MONDO:0013550, OMIM 614065.

Submission:

Labcorp Genetics (formerly Invitae), Labcorp
Classification: Uncertain significance for Distal myopathy with posterior leg and anterior hand involvement; Myofibrillar myopathy 5; Hypertrophic cardiomyopathy 26. Last evaluated: 2023-04-06. Review status: criteria provided, single submitter. Criteria: Invitae Variant Classification Sherloc (09022015). Collection method: clinical testing. Allele origin: germline.
Comment: This sequence change replaces arginine, which is basic and polar, with glycine, which is neutral and non-polar, at codon 2206 of the FLNC protein (p.Arg2206Gly). This variant is not present in population databases (gnomAD no frequency). This variant has not been reported in the literature in individuals affected with FLNC-related conditions. An algorithm developed to predict the effect of missense changes on protein structure and function (PolyPhen-2) suggests that this variant is likely to be tolerated. In summary, the available evidence is currently insufficient to determine the role of this variant in disease. Therefore, it has been classified as a Variant of Uncertain Significance.

NM_001458.5(FLNC):c.6616C>G (p.Arg2206Gly)

Genes: FLNC-AS1 (FLNC antisense RNA 1; minus strand), FLNC (filamin C; plus strand). Cytogenetic location: 7q32.1.
Variant type: single nucleotide variant.
Coding change: c.6616C>G on transcript NM_001458.5 (MANE Select); coding-DNA position 6616, C replaced by G.
Protein change: p.Arg2206Gly; replaces arginine 2206 with glycine.
Molecular consequence: missense variant.
Genome position (GRCh38, 1-based): chr7:128,854,105, C>G. VCF-style: chr7-128854105-C-G. GRCh37 (hg19) VCF-style: chr7-128494159-C-G.
Other names: c.6517C>G, p.Arg2173Gly (NM_001127487.2); short protein forms R2173G, R2206G.
Identifiers: ClinVar variation 2940539 (VCV002940539.3), dbSNP rs867032077, ClinGen allele CA369212934.